The following is an entry in ClinVar:

ClinVar aggregate classification (germline): Benign. Review status: criteria provided, multiple submitters, no conflicts (2 of 4 stars). 2 submissions from 2 submitters: Benign (2). Last evaluated 2018-01-12.

Conditions:
Posterior column ataxia-retinitis pigmentosa syndrome (RETSNS). Also called: RETINOPATHY-SENSORY NEUROPATHY SYNDROME. Identifiers: Orphanet 88628, MedGen C1836916, MONDO:0012177, OMIM 609033.

Allele frequency attached by ClinVar (database versions not stated): gnomAD 0.44839 and 0.45117; TOPMed 0.47889; 1000 Genomes Project 0.49561; 1000 Genomes Project 30x 0.50531.

Submissions (2):

Illumina Laboratory Services, Illumina
Classification: Benign for Posterior column ataxia-retinitis pigmentosa syndrome. Last evaluated: 2018-01-12. Review status: criteria provided, single submitter. Criteria: ICSL Variant Classification Criteria 13 December 2019. Collection method: clinical testing. Allele origin: germline.
Comment: This variant was observed in the ICSL laboratory as part of a predisposition screen in an ostensibly healthy population. It had not been previously curated by ICSL or reported in the Human Gene Mutation Database (HGMD: prior to June 1st, 2018), and was therefore a candidate for classification through an automated scoring system. Utilizing variant allele frequency, disease prevalence and penetrance estimates, and inheritance mode, an automated score was calculated to assess if this variant is too frequent to cause the disease. Based on the score and internal cut-off values, a variant classified as benign is not then subjected to further curation. The score for this variant resulted in a classification of benign for this disease.

Breakthrough Genomics
Classification: Benign. Review status: criteria provided, single submitter. Criteria: ACMG Guidelines, 2015. Collection method: not provided. Allele origin: germline. Inheritance: Autosomal recessive inheritance. Affected: yes.

NM_014053.4(FLVCR1):c.*2813G>A

Gene: FLVCR1 (FLVCR choline and heme transporter 1; plus strand). Cytogenetic location: 1q32.3.
Variant type: single nucleotide variant.
Coding change: c.*2813G>A on transcript NM_014053.4 (MANE Select); 2813 bases downstream of the stop codon, G replaced by A.
Molecular consequence: 3 prime UTR variant.
Genome position (GRCh38, 1-based): chr1:212,898,103, G>A. VCF-style: chr1-212898103-G-A. GRCh37 (hg19) VCF-style: chr1-213071445-G-A.
Identifiers: ClinVar variation 295387 (VCV000295387.6), dbSNP rs1284854, ClinGen allele CA10609797.
Genomic context (GRCh38, chr1:212,898,103, plus strand): 5'-TGGATGTATTTCTGTATGTTCCTATAACTCTGGACAAATCATTAAACCTCTCTGGGCAGC[G>A]TTTTCCTCATCCATGAAATGAATGTGTTCAATTTGATCTCAAAGATCTTTCCAAAATATT-3'